The following is an entry in ClinVar:

ClinVar aggregate classification (germline): Likely benign (1 of 4 stars; one submission).

Submission:

CeGaT Center for Human Genetics Tuebingen
Classification: Likely benign. Last evaluated: 2026-08-01. Review status: criteria provided, single submitter. Criteria: CeGaT Center For Human Genetics Tuebingen Variant Classification Criteria Version 2. Collection method: clinical testing. Allele origin: germline. Affected: yes. Observed: 4 variant alleles.
Comment: BTBD17: PM2:Supporting, BP4, BP7

NM_001080466.2(BTBD17):c.858G>C (p.Leu286=)

Gene: BTBD17 (BTB domain containing 17; minus strand). Cytogenetic location: 17q25.1.
Variant type: single nucleotide variant.
Coding change: c.858G>C on transcript NM_001080466.2 (MANE Select); coding-DNA position 858, G replaced by C.
Protein change: p.Leu286=; no amino-acid change (leucine 286 retained).
Molecular consequence: synonymous variant.
Genome position (GRCh38, 1-based): chr17:74,357,236, C>G on the plus strand (G>C on the coding strand, the complement: BTBD17 is on the minus strand). VCF-style: chr17-74357236-C-G. GRCh37 (hg19) VCF-style: chr17-72353375-C-G.
Identifiers: ClinVar variation 4084262 (VCV004084262.8).